The following is an entry in ClinVar:

ClinVar aggregate classification (germline): Uncertain significance (1 of 4 stars; one submission).

Submission:

Labcorp Genetics (formerly Invitae), Labcorp
Classification: Uncertain significance. Last evaluated: 2025-03-16. Review status: criteria provided, single submitter. Criteria: Invitae Variant Classification Sherloc (09022015). Collection method: clinical testing. Allele origin: germline.
Comment: This sequence change replaces arginine, which is basic and polar, with leucine, which is neutral and non-polar, at codon 553 of the POLE protein (p.Arg553Leu). This variant is not present in population databases (gnomAD no frequency). This variant has not been reported in the literature in individuals affected with POLE-related conditions. ClinVar contains an entry for this variant (Variation ID: 1042793). Invitae Evidence Modeling of protein sequence and biophysical properties (such as structural, functional, and spatial information, amino acid conservation, physicochemical variation, residue mobility, and thermodynamic stability) indicates that this missense variant is expected to disrupt POLE protein function with a positive predictive value of 80%. In summary, the available evidence is currently insufficient to determine the role of this variant in disease. Therefore, it has been classified as a Variant of Uncertain Significance.

NM_006231.4(POLE):c.1658G>T (p.Arg553Leu)

Gene: POLE (DNA polymerase epsilon, catalytic subunit; minus strand). Cytogenetic location: 12q24.33.
Variant type: single nucleotide variant.
Coding change: c.1658G>T on transcript NM_006231.4 (MANE Select); coding-DNA position 1658, G replaced by T.
Protein change: p.Arg553Leu; replaces arginine 553 with leucine.
Molecular consequence: missense variant.
Genome position (GRCh38, 1-based): chr12:132,672,655, C>A on the plus strand (G>T on the coding strand, the complement: POLE is on the minus strand). VCF-style: chr12-132672655-C-A. GRCh37 (hg19) VCF-style: chr12-133249241-C-A.
Other names: short protein forms R553L.
Identifiers: ClinVar variation 1042793 (VCV001042793.8), dbSNP rs145370369, ClinGen allele CA387356536.
Genomic context (GRCh38, chr12:132,672,655, plus strand): 5'-GGAAGAATCTGAATCCCAGGGAAGAAGCACACCATCCTAAACCGGCAAGGGATATCGCTG[C>A]GGAAAACCCCAGACTCGAGGGCCTCCACGTGGCCCCCGACGTAGGTCTCAGAGTCCAGCA-3'
Protein context (NP_006222.2, residues 543-563): HVEALESGVF[Arg553Leu]SDIPCRFRMN